The following is an entry in ClinVar:

ClinVar aggregate classification (germline): Uncertain significance (1 of 4 stars; one submission).

Conditions:
Cardiovascular phenotype. Identifiers: MedGen CN230736.

Allele frequency attached by ClinVar (database versions not stated): gnomAD 0.00002; TOPMed 0.00002.
gnomAD v4.1: 3 of 1,614,004 alleles (0.00019%); highest among the groups gnomAD compares: Admixed American, 0.005%; no homozygotes.

Submission:

Ambry Genetics
Classification: Uncertain significance for Cardiovascular phenotype. Last evaluated: 2022-10-02. Review status: criteria provided, single submitter. Criteria: Ambry Variant Classification Scheme 2023. Collection method: clinical testing. Allele origin: germline.
Comment: The p.P1950H variant (also known as c.5849C>A), located in coding exon 38 of the ANK2 gene, results from a C to A substitution at nucleotide position 5849. The proline at codon 1950 is replaced by histidine, an amino acid with similar properties. This amino acid position is conserved. In addition, this alteration is predicted to be tolerated by in silico analysis. Since supporting evidence is limited at this time, the clinical significance of this alteration remains unclear.

NM_001148.6(ANK2):c.5849C>A (p.Pro1950His)

Genes: ANK2 (ankyrin 2; plus strand), LOC126807136 (MED14-independent group 3 enhancer GRCh37_chr4:114274931-114276130; plus strand). Cytogenetic location: 4q26.
Variant type: single nucleotide variant.
Coding change: c.5849C>A on transcript NM_001148.6 (MANE Select); coding-DNA position 5849, C replaced by A.
Protein change: p.Pro1950His; replaces proline 1950 with histidine.
Molecular consequence: missense variant. On other transcripts: intron variant (68).
Genome position (GRCh38, 1-based): chr4:113,354,467, C>A. VCF-style: chr4-113354467-C-A. GRCh37 (hg19) VCF-style: chr4-114275623-C-A.
Other names: c.5615C>A, p.Pro1872His (NM_001386142.1); c.2249C>A, p.Pro750His (NM_001386166.1); c.5990C>A, p.Pro1997His (NM_001386174.1); c.5966C>A, p.Pro1989His (NM_001386175.1); c.4411+4218C>A (NM_001386186.2, NM_001386148.2); c.4213+4218C>A (NM_001354269.3); c.4291+4218C>A (NM_001386187.2); c.4252+4218C>A (NM_001386147.1); and 35 more; short protein forms P1989H, P1950H, P1997H, P750H, P1872H.
Identifiers: ClinVar variation 1750047 (VCV001750047.2), dbSNP rs1241451043, ClinGen allele CA357921446.